The following is an entry in ClinVar:

NM_199242.3(UNC13D):c.2447+1G>A

Gene: UNC13D (unc-13 homolog D; minus strand). Cytogenetic location: 17q25.1.
Variant type: single nucleotide variant.
Coding change: c.2447+1G>A on transcript NM_199242.3 (MANE Select); the canonical splice donor site of the intron after coding-DNA position 2447, G replaced by A.
Molecular consequence: splice donor variant.
Genome position (GRCh38, 1-based): chr17:75,832,965, C>T on the plus strand (G>A on the coding strand, the complement: UNC13D is on the minus strand). VCF-style: chr17-75832965-C-T. GRCh37 (hg19) VCF-style: chr17-73829046-C-T.
Identifiers: ClinVar variation 639780 (VCV000639780.9), dbSNP rs1165696705, ClinGen allele CA401084457.

ClinVar aggregate classification (germline): Likely pathogenic (1 of 4 stars; one submission).

Conditions:
Familial hemophagocytic lymphohistiocytosis 3 (FHL3). Also called: UNC13D-Related Familial Hemophagocytic Lymphohistiocytosis (UNC13D-fHLH). Identifiers: Orphanet 540, MedGen C1837174, MONDO:0012146, OMIM 608898.

Allele frequency attached by ClinVar (database versions not stated): gnomAD exomes below 0.00001 and 0.00001.

Submission:

Labcorp Genetics (formerly Invitae), Labcorp
Classification: Likely pathogenic for Familial hemophagocytic lymphohistiocytosis 3. Last evaluated: 2019-04-25. Review status: criteria provided, single submitter. Criteria: Invitae Variant Classification Sherloc (09022015). Collection method: clinical testing. Allele origin: germline.
Comment: This sequence change affects a donor splice site in intron 25 of the UNC13D gene. It is expected to disrupt RNA splicing and likely results in an absent or disrupted protein product. This variant is not present in population databases (ExAC no frequency). This variant has not been reported in the literature in individuals with UNC13D-related disease. Donor and acceptor splice site variants typically lead to a loss of protein function (PMID: 16199547), and loss-of-function variants in UNC13D are known to be pathogenic (PMID: 14622600). In summary, the currently available evidence indicates that the variant is pathogenic, but additional data are needed to prove that conclusively. Therefore, this variant has been classified as Likely Pathogenic.

Literature cited by the submitters: PubMed 16199547; PubMed 14622600.